The following is an entry in ClinVar:

NC_000023.11:g.(?_31609621)_(31932247_?)del

Genes: DMD (dystrophin; minus strand), LOC129391296 (MPRA-validated peak7373 silencer; plus strand). Cytogenetic location: Xp21.1.
Variant type: Deletion.
Identifiers: ClinVar variation 526164 (VCV000526164.2).

ClinVar aggregate classification (germline): Pathogenic (1 of 4 stars; one submission).

Conditions:
Duchenne muscular dystrophy (DMD). Also called: Duchenne Muscular Dystrophy (DMD); MUSCULAR DYSTROPHY, PSEUDOHYPERTROPHIC PROGRESSIVE, DUCHENNE TYPE. Identifiers: Orphanet 98896, MedGen C0013264, MONDO:0010679, OMIM 310200.

Submission:

Labcorp Genetics (formerly Invitae), Labcorp
Classification: Pathogenic for Duchenne muscular dystrophy. Last evaluated: 2018-08-02. Review status: criteria provided, single submitter. Criteria: Invitae Variant Classification Sherloc (09022015). Collection method: clinical testing. Allele origin: germline.
Comment: This variant is an out-of-frame deletion of the genomic region encompassing exons 46-55 of the DMD gene. This is expected to create a premature translational stop signal and result in an absent or disrupted protein product. This variant has been reported in several individuals affected with Duchenne muscular dystrophy (DMD) (PMID: 18752307, 25482253, 16030524, 9800909). Loss-of-function variants in DMD are known to be pathogenic (PMID: 16770791, 25007885). For these reasons, this variant has been classified as Pathogenic.

Literature cited by the submitters: PubMed 18752307; PubMed 25482253; PubMed 16030524; PubMed 9800909.